The following is an entry in ClinVar:

ClinVar aggregate classification (germline): Uncertain significance (1 of 4 stars; one submission).

Submission:

GeneDx
Classification: Uncertain significance. Last evaluated: 2024-02-27. Review status: criteria provided, single submitter. Criteria: GeneDx Variant Classification Process June 2021. Collection method: clinical testing. Allele origin: germline. Affected: yes.
Comment: Not observed at significant frequency in large population cohorts (gnomAD); Frameshift variant predicted to result in protein truncation or nonsense mediated decay in a gene or region of a gene for which loss of function is not a well-established mechanism of disease; Has not been previously published as pathogenic or benign to our knowledge

NM_001035.3(RYR2):c.13955del (p.Lys4652fs)

Gene: RYR2 (ryanodine receptor 2; plus strand). Cytogenetic location: 1q43.
Variant type: Deletion.
Coding change: c.13955del on transcript NM_001035.3 (MANE Select); coding-DNA position 13955, one base deleted (A; older notation c.13955delA).
Protein change: p.Lys4652fs; shifts the reading frame from lysine 4652.
Molecular consequence: frameshift variant.
Genome position (GRCh38, 1-based): chr1:237,795,330, A deleted; the last of 3 consecutive A bases (chr1:237,795,328-237,795,330); deleting any one gives the same sequence. VCF-style (leftmost placement, unchanged base first): chr1-237795327-GA-G. GRCh37 (hg19) VCF-style: chr1-237958627-GA-G.
Other names: short protein forms K4652fs.
Identifiers: ClinVar variation 3369913 (VCV003369913.1).
Genomic context (GRCh38, chr1:237,795,327, plus strand): 5'-TCTATGCTTTTGTATATTTTAGGTCATTTCCCAACAACTACTGGGACAAATTTGTTAAAA[GA>G]AAGGTAATATTACTTGGAATCCTCTACATTTTTCTTAAAGCACAGTTTAGATTTTTATTT-3'